The following is an entry in ClinVar:

ClinVar aggregate classification (germline): Pathogenic/Likely pathogenic. Review status: criteria provided, multiple submitters, no conflicts (2 of 4 stars). 5 submissions from 5 submitters: Pathogenic (3); Likely pathogenic (1). 1 of the submissions does not count toward it. Last evaluated 2024-10-01.

Conditions:
TRIP4-related disorder. Also called: TRIP4-related condition; TRIP4-related disorders.

Submissions (5):

Labcorp Genetics (formerly Invitae), Labcorp
Classification: Pathogenic. Last evaluated: 2024-10-01. Review status: criteria provided, single submitter. Criteria: Invitae Variant Classification Sherloc (09022015). Collection method: clinical testing. Allele origin: germline.
Comment: This sequence change creates a premature translational stop signal (p.Gly61Valfs*4) in the TRIP4 gene. It is expected to result in an absent or disrupted protein product. Loss-of-function variants in TRIP4 are known to be pathogenic (PMID: 26924529, 27008887). The frequency data for this variant in the population databases is considered unreliable, as metrics indicate poor data quality at this position in the gnomAD database. This variant has not been reported in the literature in individuals affected with TRIP4-related conditions. ClinVar contains an entry for this variant (Variation ID: 1325237). For these reasons, this variant has been classified as Pathogenic.

GeneDx
Classification: Pathogenic. Last evaluated: 2023-06-30. Review status: criteria provided, single submitter. Criteria: GeneDx Variant Classification Process June 2021. Collection method: clinical testing. Allele origin: germline. Affected: yes.
Comment: Frameshift variant predicted to result in protein truncation or nonsense mediated decay in a gene for which loss-of-function is a known mechanism of disease; Not observed at significant frequency in large population cohorts (gnomAD); Has not been previously published as pathogenic or benign to our knowledge

Blueprint Genetics
Classification: Pathogenic for TRIP4-related disorders. Last evaluated: 2023-04-12. Review status: criteria provided, single submitter. Criteria: ACMG Guidelines, 2015. Collection method: clinical testing. Allele origin: germline. Affected: yes. Observed: 5 variant alleles.

Revvity Omics, Revvity
Classification: Likely pathogenic. Last evaluated: 2019-12-27. Review status: criteria provided, single submitter. Criteria: ACMG Guidelines, 2015. Collection method: clinical testing. Allele origin: germline.

PreventionGenetics, part of Exact Sciences
Classification: Likely pathogenic for TRIP4-related condition. Last evaluated: 2024-02-20. Review status: no assertion criteria provided. Collection method: clinical testing. Allele origin: germline. Not counted in ClinVar's aggregate classification.
Comment: The TRIP4 c.180delA variant is predicted to result in a frameshift and premature protein termination (p.Gly61Valfs*4). To our knowledge, this variant has not been reported in the literature. This variant is reported in 0.00089% of alleles in individuals of European (Non-Finnish) descent in gnomAD. Frameshift variants in TRIP4 are expected to be pathogenic. This variant is interpreted as likely pathogenic.

Literature cited by the submitters: PubMed 26924529 (cited by Labcorp Genetics (formerly Invitae), Labcorp); PubMed 27008887 (cited by Labcorp Genetics (formerly Invitae), Labcorp).

NM_016213.5(TRIP4):c.180del (p.Gly61fs)

Gene: TRIP4 (thyroid hormone receptor interactor 4; plus strand). Cytogenetic location: 15q22.31.
Variant type: Deletion.
Coding change: c.180del on transcript NM_016213.5 (MANE Select); coding-DNA position 180, one base deleted (A; older notation c.180delA).
Protein change: p.Gly61fs; shifts the reading frame from glycine 61.
Molecular consequence: frameshift variant. On other transcripts: 5 prime UTR variant (1), non-coding transcript variant (1).
Genome position (GRCh38, 1-based): chr15:64,394,024, A deleted; the last of 6 consecutive A bases (chr15:64,394,019-64,394,024); deleting any one gives the same sequence. VCF-style (leftmost placement, unchanged base first): chr15-64394018-CA-C. GRCh37 (hg19) VCF-style: chr15-64686217-CA-C.
Other names: c.180delA (NM_016213.4); c.-511del (NM_001321924.2); short protein forms G61fs.
Identifiers: ClinVar variation 1325237 (VCV001325237.12), dbSNP rs1446427502, ClinGen allele CA618778557.